The following is an entry in ClinVar:

ClinVar aggregate classification (germline): Pathogenic. Review status: criteria provided, multiple submitters, no conflicts (2 of 4 stars). 2 submissions from 2 submitters: Pathogenic (2). Last evaluated 2025-03-07.

Conditions:
Recessive dystrophic epidermolysis bullosa (RDEB). Also called: severe generalized recessive dystrophic epidermolysis bullosa; epidermolysis bullosa dystrophica, autosomal recessive; Hallopeau-Siemens Disease; EPIDERMOLYSIS BULLOSA DYSTROPHICA, GENERALIZED SEVERE, AUTOSOMAL RECESSIVE; Recessive DEB (RDEB); Epidermolysis Bullosa Distrophica Autosomal Recessive (RDEB). Identifiers: Orphanet 79408, Orphanet 79409, MedGen C0079474, MONDO:0009179, OMIM 226600.

Submissions (2):

Myriad Genetics, Inc.
Classification: Pathogenic for Recessive dystrophic epidermolysis bullosa. Last evaluated: 2025-03-07. Review status: criteria provided, single submitter. Criteria: Myriad Autosomal Dominant, Autosomal Recessive and X-Linked Classification Criteria (2023). Collection method: clinical testing. Allele origin: unknown.
Comment: NM_000094.3(COL7A1):c.8005C>T(Q2669*) is expected to be pathogenic in the context of dystrophic epidermolysis bullosa. This variant is predicted to lead to an abnormal or absent protein product due to the creation of a premature termination codon in COL7A1, a gene where loss-of-function variants are known to be pathogenic. Please note: this variant was assessed in the context of healthy population screening.

Labcorp Genetics (formerly Invitae), Labcorp
Classification: Pathogenic. Last evaluated: 2021-07-15. Review status: criteria provided, single submitter. Criteria: Invitae Variant Classification Sherloc (09022015). Collection method: clinical testing. Allele origin: germline.
Comment: For these reasons, this variant has been classified as Pathogenic. This variant has not been reported in the literature in individuals affected with COL7A1-related conditions. This variant is not present in population databases (ExAC no frequency). This sequence change creates a premature translational stop signal (p.Gln2669*) in the COL7A1 gene. It is expected to result in an absent or disrupted protein product. Loss-of-function variants in COL7A1 are known to be pathogenic (PMID: 16971478).

Literature cited by the submitters: PubMed 16971478 (cited by Labcorp Genetics (formerly Invitae), Labcorp).

NM_000094.4(COL7A1):c.8005C>T (p.Gln2669Ter)

Gene: COL7A1 (collagen type VII alpha 1 chain; minus strand). Cytogenetic location: 3p21.31.
Variant type: single nucleotide variant.
Coding change: c.8005C>T on transcript NM_000094.4 (MANE Select); coding-DNA position 8005, C replaced by T.
Protein change: p.Gln2669Ter; replaces glutamine 2669 with a stop codon.
Molecular consequence: nonsense.
Genome position (GRCh38, 1-based): chr3:48,567,615, G>A on the plus strand (C>T on the coding strand, the complement: COL7A1 is on the minus strand). VCF-style: chr3-48567615-G-A. GRCh37 (hg19) VCF-style: chr3-48605048-G-A.
Other names: short protein forms Q2669*.
Identifiers: ClinVar variation 1375977 (VCV001375977.7), dbSNP rs2107635149, ClinGen allele CA352641126.